The following is an entry in ClinVar:

NM_001199138.2(NLRC4):c.1585_1586del (p.Trp529fs)

Gene: NLRC4 (NLR family CARD domain containing 4; minus strand). Cytogenetic location: 2p22.3.
Variant type: Deletion.
Coding change: c.1585_1586del on transcript NM_001199138.2 (MANE Select); coding-DNA positions 1585 to 1586, 2 bases deleted (TG; older notation c.1585_1586delTG).
Protein change: p.Trp529fs; shifts the reading frame from tryptophan 529.
Molecular consequence: frameshift variant. On other transcripts: intron variant (1).
Genome position (GRCh38, 1-based): chr2:32,250,278-32,250,279, CA deleted on the plus strand (TG on the coding strand, the reverse complement: NLRC4 is on the minus strand). VCF-style (leftmost placement, unchanged base first): chr2-32250277-CCA-C. GRCh37 (hg19) VCF-style: chr2-32475346-CCA-C.
Other names: c.1585_1586delTG, p.Trp529Glufs (NM_021209.5, NM_001199139.2); c.262+2140_262+2141del (NM_001302504.1); short protein forms W529fs.
Identifiers: ClinVar variation 1379635 (VCV001379635.6), dbSNP rs2148942101, ClinGen allele CA2573134513.

ClinVar aggregate classification (germline): Uncertain significance (1 of 4 stars; one submission).

Conditions:
Familial cold autoinflammatory syndrome 4 (FCAS4). Identifiers: Orphanet 47045, Orphanet 576349, MedGen C4015276, MONDO:0014498, OMIM 616115.
Periodic fever-infantile enterocolitis-autoinflammatory syndrome. Also called: Autoinflammation with infantile enterocolitis. Identifiers: Orphanet 436166, MedGen C4015067, MONDO:0014472, OMIM 616050.

Submission:

Labcorp Genetics (formerly Invitae), Labcorp
Classification: Uncertain significance for Periodic fever-infantile enterocolitis-autoinflammatory syndrome; Familial cold autoinflammatory syndrome 4. Last evaluated: 2025-12-29. Review status: criteria provided, single submitter. Criteria: Invitae Variant Classification Sherloc (09022015). Collection method: clinical testing. Allele origin: germline.
Comment: This sequence change creates a premature translational stop signal (p.Trp529Glufs*13) in the NLRC4 gene. It is expected to result in an absent or disrupted protein product. However, the current clinical and genetic evidence is not sufficient to establish whether loss-of-function variants in NLRC4 cause disease. This variant is not present in population databases (gnomAD no frequency). This variant has not been reported in the literature in individuals affected with NLRC4-related conditions. ClinVar contains an entry for this variant (Variation ID: 1379635). In summary, the available evidence is currently insufficient to determine the role of this variant in disease. Therefore, it has been classified as a Variant of Uncertain Significance.